The following is an entry in ClinVar:

NM_022356.4(P3H1):c.1914G>A (p.Thr638=)

Gene: P3H1 (prolyl 3-hydroxylase 1; minus strand). Cytogenetic location: 1p34.2.
Variant type: single nucleotide variant.
Coding change: c.1914G>A on transcript NM_022356.4 (MANE Select); coding-DNA position 1914, G replaced by A.
Protein change: p.Thr638=; no amino-acid change (threonine 638 retained).
Molecular consequence: synonymous variant.
Genome position (GRCh38, 1-based): chr1:42,747,723, C>T on the plus strand (G>A on the coding strand, the complement: P3H1 is on the minus strand). VCF-style: chr1-42747723-C-T. GRCh37 (hg19) VCF-style: chr1-43213394-C-T.
Other names: c.1914G>A, p.Thr638= (NM_001146289.2, NM_001243246.2).
Identifiers: ClinVar variation 957295 (VCV000957295.5), dbSNP rs765091931, ClinGen allele CA801657.

ClinVar aggregate classification (germline): Uncertain significance (1 of 4 stars; one submission).

Conditions:
Osteogenesis imperfecta type 8 (OI8). Identifiers: MedGen C1970458, MONDO:0012581, OMIM 610915.

Allele frequency attached by ClinVar (database versions not stated): gnomAD exomes below 0.00001 and 0.00002; ExAC 0.00001; gnomAD 0.00001.
gnomAD v4.1: 29 of 1,613,984 alleles (0.0018%); highest among the groups gnomAD compares: Middle Eastern, 0.016%; no homozygotes.

Submission:

Labcorp Genetics (formerly Invitae), Labcorp
Classification: Uncertain significance for Osteogenesis imperfecta type 8. Last evaluated: 2019-10-03. Review status: criteria provided, single submitter. Criteria: Invitae Variant Classification Sherloc (09022015). Collection method: clinical testing. Allele origin: germline.
Comment: This sequence change affects codon 638 of the P3H1 mRNA. It is a 'silent' change, meaning that it does not change the encoded amino acid sequence of the P3H1 protein. This variant also falls at the last nucleotide of exon 13 of the P3H1 coding sequence, which is part of the consensus splice site for this exon. This variant is present in population databases (rs765091931, ExAC 0.001%). This variant has not been reported in the literature in individuals with P3H1-related conditions. Nucleotide substitutions within the consensus splice site are a relatively common cause of aberrant splicing (PMID: 17576681, 9536098). Algorithms developed to predict the effect of sequence changes on RNA splicing suggest that this variant may disrupt the consensus splice site, but this prediction has not been confirmed by published transcriptional studies. In summary, the available evidence is currently insufficient to determine the role of this variant in disease. Therefore, it has been classified as a Variant of Uncertain Significance.

Literature cited by the submitters: PubMed 17576681; PubMed 9536098.